The following is an entry in ClinVar:

ClinVar aggregate classification (germline): Benign/Likely benign. Review status: criteria provided, multiple submitters, no conflicts (2 of 4 stars). 6 submissions from 6 submitters: Benign (1); Likely benign (5). Last evaluated 2026-09-01.

Conditions:
Obesity, hyperphagia, and developmental delay (OBHD). Identifiers: Orphanet 99704, MedGen C3151303, MONDO:0013483, OMIM 613886.
Developmental and epileptic encephalopathy, 58. Also called: EPILEPTIC ENCEPHALOPATHY, EARLY INFANTILE, 58. Identifiers: MedGen C4693367, MONDO:0033367, OMIM 617830.

Allele frequency attached by ClinVar (database versions not stated): ExAC 0.00087; 1000 Genomes Project 0.00100; gnomAD exomes 0.00103 and 0.00210; gnomAD 0.00107; TOPMed 0.00122; ESP Exome Variant Server 0.00131; 1000 Genomes Project 30x 0.00141.
gnomAD v4.1: 3,208 of 1,614,130 alleles (0.2%); highest among the groups gnomAD compares: Non-Finnish European, 0.25%; 1 homozygote.

Submissions (6):

CeGaT Center for Human Genetics Tuebingen
Classification: Likely benign. Last evaluated: 2026-09-01. Review status: criteria provided, single submitter. Criteria: CeGaT Center For Human Genetics Tuebingen Variant Classification Criteria Version 2. Collection method: clinical testing. Allele origin: germline. Affected: yes. Observed: 8 variant alleles.
Comment: NTRK2: BP4, BS1

Labcorp Genetics (formerly Invitae), Labcorp
Classification: Likely benign. Last evaluated: 2026-01-28. Review status: criteria provided, single submitter. Criteria: Invitae Variant Classification Sherloc (09022015). Collection method: clinical testing. Allele origin: germline.

Blueprint Genetics
Classification: Likely benign. Last evaluated: 2024-11-06. Review status: criteria provided, single submitter. Criteria: ACMG Guidelines, 2015. Collection method: clinical testing. Allele origin: germline.

ARUP Laboratories, Molecular Genetics and Genomics, ARUP Laboratories
Classification: Benign. Last evaluated: 2024-08-29. Review status: criteria provided, single submitter. Criteria: ARUP Molecular Germline Variant Investigation Process 2024. Collection method: clinical testing. Allele origin: germline.

Fulgent Genetics
Classification: Likely benign for Obesity, hyperphagia, and developmental delay; Developmental and epileptic encephalopathy, 58. Last evaluated: 2021-08-03. Review status: criteria provided, single submitter. Criteria: ACMG Guidelines, 2015. Collection method: clinical testing. Allele origin: unknown.

Genetic Services Laboratory, University of Chicago
Classification: Likely benign. Last evaluated: 2017-12-28. Review status: criteria provided, single submitter. Criteria: ACMG Guidelines, 2015. Collection method: clinical testing. Allele origin: germline. Affected: no.

NM_006180.6(NTRK2):c.2478G>A (p.Leu826=)

Gene: NTRK2 (neurotrophic receptor tyrosine kinase 2; plus strand). Cytogenetic location: 9q21.33.
Variant type: single nucleotide variant.
Coding change: c.2478G>A on transcript NM_006180.6 (MANE Select); coding-DNA position 2478, G replaced by A.
Protein change: p.Leu826=; no amino-acid change (leucine 826 retained).
Molecular consequence: synonymous variant.
Genome position (GRCh38, 1-based): chr9:85,021,398, G>A. VCF-style: chr9-85021398-G-A. GRCh37 (hg19) VCF-style: chr9-87636313-G-A.
Other names: c.2430G>A, p.Leu810= (NM_001018064.3, NM_001369532.1, NM_001369533.1); c.2394G>A, p.Leu798= (NM_001369534.1); c.1962G>A, p.Leu654= (NM_001369535.1); c.2010G>A, p.Leu670= (NM_001369536.1).
Identifiers: ClinVar variation 728564 (VCV000728564.35), dbSNP rs138503321, ClinGen allele CA5105999.